The following is an entry in ClinVar:

NM_182931.3(KMT2E):c.4865C>T (p.Ala1622Val)

Gene: KMT2E (lysine methyltransferase 2E (inactive); plus strand). Cytogenetic location: 7q22.3.
Variant type: single nucleotide variant.
Coding change: c.4865C>T on transcript NM_182931.3 (MANE Select); coding-DNA position 4865, C replaced by T.
Protein change: p.Ala1622Val; replaces alanine 1622 with valine.
Molecular consequence: missense variant.
Genome position (GRCh38, 1-based): chr7:105,112,621, C>T. VCF-style: chr7-105112621-C-T. GRCh37 (hg19) VCF-style: chr7-104753068-C-T.
Other names: c.4865C>T, p.Ala1622Val (NM_018682.4); short protein forms A1622V.
Identifiers: ClinVar variation 1189221 (VCV001189221.2), dbSNP rs2129570227, ClinGen allele CA368793753.

ClinVar aggregate classification (germline): Uncertain significance (1 of 4 stars; one submission).

Submission:

GeneDx
Classification: Uncertain significance. Last evaluated: 2021-05-06. Review status: criteria provided, single submitter. Criteria: GeneDx Variant Classification Process June 2021. Collection method: clinical testing. Allele origin: germline. Affected: yes.
Comment: Not observed in large population cohorts (Lek et al., 2016); In silico analysis, which includes protein predictors and evolutionary conservation, supports that this variant does not alter protein structure/function; Has not been previously published as pathogenic or benign to our knowledge